The following is an entry in ClinVar:

NM_172362.3(KCNH1):c.1186A>G (p.Ile396Val)

Gene: KCNH1 (potassium voltage-gated channel subfamily H member 1; minus strand). Cytogenetic location: 1q32.2.
Variant type: single nucleotide variant.
Coding change: c.1186A>G on transcript NM_172362.3 (MANE Select); coding-DNA position 1186, A replaced by G.
Protein change: p.Ile396Val; replaces isoleucine 396 with valine.
Molecular consequence: missense variant.
Genome position (GRCh38, 1-based): chr1:210,919,916, T>C on the plus strand (A>G on the coding strand, the complement: KCNH1 is on the minus strand). VCF-style: chr1-210919916-T-C. GRCh37 (hg19) VCF-style: chr1-211093258-T-C.
Other names: c.1105A>G, p.Ile369Val (NM_002238.4); short protein forms I369V, I396V.
Identifiers: ClinVar variation 3348716 (VCV003348716.1).

ClinVar aggregate classification (germline): Uncertain significance (0 of 4 stars; one submission).

Conditions:
KCNH1-related disorder. Also called: KCNH1-related disorders; KCNH1-related condition.

Submission:

PreventionGenetics, part of Exact Sciences
Classification: Uncertain significance for KCNH1-related condition. Last evaluated: 2024-03-25. Review status: no assertion criteria provided. Collection method: clinical testing. Allele origin: germline.
Comment: The KCNH1 c.1186A>G variant is predicted to result in the amino acid substitution p.Ile396Val. To our knowledge, this variant has not been reported in the literature or in a large population database, indicating this variant is rare. At this time, the clinical significance of this variant is uncertain due to the absence of conclusive functional and genetic evidence.